The following is an entry in ClinVar:

NM_000202.8(IDS):c.1132_1133del (p.Phe378fs)

Genes: IDS (iduronate 2-sulfatase; minus strand), LOC106050102 (IDS recombination region; plus strand). Cytogenetic location: Xq28.
Variant type: Deletion.
Coding change: c.1132_1133del on transcript NM_000202.8 (MANE Select); coding-DNA positions 1132 to 1133, 2 bases deleted (TT; older notation c.1132_1133delTT).
Protein change: p.Phe378fs; shifts the reading frame from phenylalanine 378.
Molecular consequence: frameshift variant.
Genome position (GRCh38, 1-based): chrX:149,486,972-149,486,973, AA deleted on the plus strand (TT on the coding strand, the reverse complement: IDS is on the minus strand); deleting any 2 consecutive bases within chrX:149,486,972-149,486,975 gives the same sequence; the c. name uses the placement nearest the transcript's 3' end. VCF-style (leftmost placement, unchanged base first): chrX-149486971-GAA-G. GRCh37 (hg19) VCF-style: chrX-148568502-GAA-G.
Other names: c.862_863del, p.Phe288fs (NM_001166550.4); short protein forms F288fs, F378fs.
Identifiers: ClinVar variation 221975 (VCV000221975.3), dbSNP rs869025306, ClinGen allele CA356949.

ClinVar aggregate classification (germline): Pathogenic. Review status: criteria provided, multiple submitters, no conflicts (2 of 4 stars). 2 submissions from 2 submitters: Pathogenic (2). Last evaluated 2024-06-07.

Conditions:
Mucopolysaccharidosis, MPS-II (MPS2). Also called: Hunter Syndrome; Mucopolysaccharidosis with skin involvement; Mucopolysaccharidosis type 2; IDURONATE 2-SULFATASE DEFICIENCY; Mucopolysaccharidosis Type II; IDS deficiency. Identifiers: Orphanet 580, Orphanet 79388, MedGen C0026705, MONDO:0010674, OMIM 309900.

Submissions (2):

Laboratory of Diagnosis and Therapy of Lysosomal Disorders, University of Padova
Classification: Pathogenic for Mucopolysaccharidosis, MPS-II. Last evaluated: 2024-06-07. Review status: criteria provided, single submitter. Criteria: ACMG Guidelines, 2015. Collection method: literature only. Allele origin: germline. Affected: yes. Observed: 1 variant allele.
Comment: Null variant (PVS1_Strong), Absent from controls (or at low frequency) in gnomAD database (PM2_Moderate), Patient’s phenotype or family history highly specific for the disease (PP4_Strong)

Classification method: ACMG Guidelines [PMID:25741868] with modifications

MOLECULAR BIOLOGY LABORATORY, INSTITUTO NACIONAL DE PEDIATRIA
Classification: Pathogenic for Mucopolysaccharidosis, MPS-II. Last evaluated: 2015-10-18. Review status: criteria provided, single submitter. Criteria: ACMG Guidelines, 2007. Collection method: research. Allele origin: maternal. Affected: yes. Observed: 1 variant allele.

Literature cited by the submitters: PubMed 26762690 (cited by Laboratory of Diagnosis and Therapy of Lysosomal Disorders, University of Padova and MOLECULAR BIOLOGY LABORATORY, INSTITUTO NACIONAL DE PEDIATRIA).